The following is an entry in ClinVar:

ClinVar aggregate classification (germline): Uncertain significance. Review status: criteria provided, multiple submitters, no conflicts (2 of 4 stars). 5 submissions from 5 submitters: Uncertain significance (5). Last evaluated 2025-09-15.

Conditions:
Tumor predisposition syndrome 3 (TPDS3). Also called: POT1 Tumor Predisposition; Glioma susceptibility 9; Melanoma, cutaneous malignant, susceptibility to, 10; LONG TELOMERE SYNDROME, POT1-RELATED. Identifiers: Orphanet 618, MedGen C4014476, MONDO:0014368, OMIM 615848.
Hereditary cancer-predisposing syndrome. Also called: Neoplastic Syndromes, Hereditary; Tumor predisposition; Hereditary neoplastic syndrome; Hereditary Cancer Syndrome. Identifiers: Orphanet 140162, MedGen C0027672, MeSH D009386, MONDO:0015356.

Allele frequency attached by ClinVar (database versions not stated): gnomAD exomes below 0.00001.
gnomAD v4.1: 2 of 1,613,934 alleles (0.00012%); highest among the groups gnomAD compares: Non-Finnish European, 0.00017%; no homozygotes.

Submissions (5):

Quest Diagnostics Nichols Institute San Juan Capistrano
Classification: Uncertain significance. Last evaluated: 2025-09-15. Review status: criteria provided, single submitter. Criteria: Quest Diagnostics criteria. Collection method: clinical testing. Allele origin: unknown.
Comment: The POT1 c.463G>C (p.Asp155His) variant has not been reported in individuals with POT1-related conditions in the published literature. This variant has not been reported in large, multi-ethnic general populations (Genome Aggregation Database). Analysis of this variant using bioinformatics tools for the prediction of the effect of amino acid changes on protein structure and function yielded conflicting predictions that this variant is deleterious or benign. Based on the available information, we are unable to determine the clinical significance of this variant.

Labcorp Genetics (formerly Invitae), Labcorp
Classification: Uncertain significance for Tumor predisposition syndrome 3. Last evaluated: 2025-06-22. Review status: criteria provided, single submitter. Criteria: Invitae Variant Classification Sherloc (09022015). Collection method: clinical testing. Allele origin: germline.
Comment: This sequence change replaces aspartic acid, which is acidic and polar, with histidine, which is basic and polar, at codon 155 of the POT1 protein (p.Asp155His). This variant is not present in population databases (gnomAD no frequency). This variant has not been reported in the literature in individuals affected with POT1-related conditions. ClinVar contains an entry for this variant (Variation ID: 2562066). Invitae Evidence Modeling of protein sequence and biophysical properties (such as structural, functional, and spatial information, amino acid conservation, physicochemical variation, residue mobility, and thermodynamic stability) indicates that this missense variant is not expected to disrupt POT1 protein function with a negative predictive value of 80%. In summary, the available evidence is currently insufficient to determine the role of this variant in disease. Therefore, it has been classified as a Variant of Uncertain Significance.

Dasa
Classification: Uncertain significance. Last evaluated: 2024-10-10. Review status: criteria provided, single submitter. Criteria: DASA Assertion Criteria. Collection method: clinical testing. Allele origin: germline.
Comment: NM_015450.3(POT1):c.463G>C (p.Asp155His) is a missense variant that results in the substitution of aspartic acid with histidine. This variant is rare in population databases. Computational prediction algorithms are consistent with a benign effect. The currently available literature and clinical evidence are not sufficient to establish a definitive association between this variant and the reported condition. Therefore, this variant is classified as a variant of uncertain significance.

GeneDx
Classification: Uncertain significance. Last evaluated: 2024-07-23. Review status: criteria provided, single submitter. Criteria: GeneDx Variant Classification Process June 2021. Collection method: clinical testing. Allele origin: germline. Affected: yes.
Comment: Not observed at significant frequency in large population cohorts (gnomAD); In silico analysis supports that this missense variant has a deleterious effect on protein structure/function; Has not been previously published as pathogenic or benign to our knowledge

Ambry Genetics
Classification: Uncertain significance for Hereditary cancer-predisposing syndrome. Last evaluated: 2023-05-28. Review status: criteria provided, single submitter. Criteria: Ambry Variant Classification Scheme 2023. Collection method: clinical testing. Allele origin: germline.
Comment: The p.D155H variant (also known as c.463G>C), located in coding exon 4 of the POT1 gene, results from a G to C substitution at nucleotide position 463. The aspartic acid at codon 155 is replaced by histidine, an amino acid with similar properties. This amino acid position is conserved. In addition, this alteration is predicted to be tolerated by in silico analysis. Since supporting evidence is limited at this time, the clinical significance of this alteration remains unclear.

NM_015450.3(POT1):c.463G>C (p.Asp155His)

Gene: POT1 (protection of telomeres 1; minus strand). Cytogenetic location: 7q31.33.
Variant type: single nucleotide variant.
Coding change: c.463G>C on transcript NM_015450.3 (MANE Select); coding-DNA position 463, G replaced by C.
Protein change: p.Asp155His; replaces aspartic acid 155 with histidine.
Molecular consequence: missense variant. On other transcripts: non-coding transcript variant (3).
Genome position (GRCh38, 1-based): chr7:124,863,433, C>G on the plus strand (G>C on the coding strand, the complement: POT1 is on the minus strand). VCF-style: chr7-124863433-C-G. GRCh37 (hg19) VCF-style: chr7-124503487-C-G.
Other names: c.70G>C, p.Asp24His (NM_001042594.2); short protein forms D155H, D24H.
Identifiers: ClinVar variation 2562066 (VCV002562066.9), dbSNP rs1562993312, ClinGen allele CA369059120.